The following is an entry in ClinVar:

ClinVar aggregate classification (germline): Pathogenic (1 of 4 stars; one submission).

Conditions:
Hereditary breast ovarian cancer syndrome. Also called: Hereditary breast and ovarian cancer syndrome (HBOC); Hereditary breast and ovarian cancer syndrome; Breast and ovarian cancer; Hereditary breast and/or ovarian cancer syndrome; Hereditary breast and ovarian cancer; BRCA1- and BRCA2-Associated Hereditary Breast and Ovarian Cancer. Identifiers: Orphanet 145, MedGen C0677776, MeSH D061325, MONDO:0003582. Disease mechanism: loss of function.

Submission:

Labcorp Genetics (formerly Invitae), Labcorp
Classification: Pathogenic for Hereditary breast ovarian cancer syndrome. Last evaluated: 2017-09-05. Review status: criteria provided, single submitter. Criteria: Invitae Variant Classification Sherloc (09022015). Collection method: clinical testing. Allele origin: germline.
Comment: This variant is an out-of-frame deletion of the genomic region encompassing exons 22-24 of the BRCA2 gene. This is expected to create a premature translational stop signal and result in an absent or disrupted protein product. Deletions of exons 22-24 has been reported in individuals affected with breast cancer (PMID: 22434521, 25066186). ClinVar contains an entry for this deletion (Variation ID: 267706). This deletion eliminates a portion of the DNA-binding domain (DBD), which is encoded by exons 14 to 26 of the BRCA2 mRNA. The entire DBD is known to be required for normal BRCA2 protein function (PMID: 24323938). Loss-of-function variants in BRCA2 are known to be pathogenic (PMID: 20104584). For these reasons, this variant has been classified as Pathogenic.

Literature cited by the submitters: PubMed 24323938; PubMed 25066186; PubMed 22434521.

NC_000013.11:g.(?_32379311)_(32380151_?)del

Gene: BRCA2 (BRCA2 DNA repair associated; plus strand). Cytogenetic location: 13q13.1.
Variant type: Deletion.
Identifiers: ClinVar variation 462167 (VCV000462167.1).